The following is an entry in ClinVar:

NC_000011.9:g.(?_46880534)_(46893204_?)dup

Gene: LRP4 (LDL receptor related protein 4; minus strand). Cytogenetic location: 11p11.2.
Variant type: Duplication.
Identifiers: ClinVar variation 1410592 (VCV001410592.4).

ClinVar aggregate classification (germline): Uncertain significance (1 of 4 stars; one submission).

Conditions:
Congenital myasthenic syndrome 17. Identifiers: Orphanet 590, MedGen C4225377, MONDO:0014578, OMIM 616304.
Cenani-Lenz syndactyly syndrome. Also called: CENANI SYNDACTYLISM; SYNDACTYLY, TYPE VII. Identifiers: Orphanet 3258, MedGen C1859309, MONDO:0008931, OMIM 212780.
Sclerosteosis 2 (SOST2). Identifiers: Orphanet 3152, MedGen C3280402, MONDO:0013679, OMIM 614305.

Submission:

Labcorp Genetics (formerly Invitae), Labcorp
Classification: Uncertain significance for Cenani-Lenz syndactyly syndrome; Sclerosteosis 2; Congenital myasthenic syndrome 17. Last evaluated: 2021-09-19. Review status: criteria provided, single submitter. Criteria: Invitae Variant Classification Sherloc (09022015). Collection method: clinical testing. Allele origin: germline.
Comment: In summary, the available evidence is currently insufficient to determine the role of this variant in disease. Therefore, it has been classified as a Variant of Uncertain Significance. Experimental studies and prediction algorithms are not available or were not evaluated, and the functional significance of this variant is currently unknown. This variant has not been reported in the literature in individuals with LRP4-related conditions. This variant results in a copy number gain of the genomic region encompassing exon(s) 31-38 of the LRP4 gene. The 5' boundary is likely confined to intron 30. The 3' end of this event is unknown as it extends beyond the assayed region for this gene and therefore may encompass additional genes. As the precise location of this event is unknown, it may be in tandem or it may be located elsewhere in the genome.